The following is an entry in ClinVar:

NM_007194.4(CHEK2):c.616G>A (p.Val206Ile)

Gene: CHEK2 (checkpoint kinase 2; minus strand). Cytogenetic location: 22q12.1.
Variant type: single nucleotide variant.
Coding change: c.616G>A on transcript NM_007194.4 (MANE Select); coding-DNA position 616, G replaced by A.
Protein change: p.Val206Ile; replaces valine 206 with isoleucine.
Molecular consequence: missense variant. On other transcripts: 5 prime UTR variant (2), intron variant (1).
Genome position (GRCh38, 1-based): chr22:28,719,462, C>T on the plus strand (G>A on the coding strand, the complement: CHEK2 is on the minus strand). VCF-style: chr22-28719462-C-T. GRCh37 (hg19) VCF-style: chr22-29115450-C-T.
Other names: c.745G>A, p.Val249Ile (NM_001005735.3, NM_001438294.1); c.-48G>A (NM_001257387.3, NM_001437942.1); c.709G>A, p.Val237Ile (NM_001438293.1, NM_001438295.1); c.616G>A, p.Val206Ile (NM_145862.3); c.482+5424G>A (NM_001349956.3); short protein forms V206I, V249I, V237I.
Identifiers: ClinVar variation 232611 (VCV000232611.16), dbSNP rs876659871, ClinGen allele CA10581084.

ClinVar aggregate classification (germline): Uncertain significance. Review status: criteria provided, multiple submitters, no conflicts (2 of 4 stars). 2 submissions from 2 submitters: Uncertain significance (2). Last evaluated 2025-09-16.

Conditions:
Hereditary cancer-predisposing syndrome. Also called: Neoplastic Syndromes, Hereditary; Tumor predisposition; Hereditary Cancer Syndrome; Hereditary neoplastic syndrome. Identifiers: Orphanet 140162, MedGen C0027672, MeSH D009386, MONDO:0015356.
Familial cancer of breast. Also called: BREAST CANCER, FAMILIAL; hereditary breast carcinoma; Hereditary breast cancer. Identifiers: Orphanet 227535, MedGen C0346153, MONDO:0016419, OMIM 114480. Disease mechanism: loss of function.

Allele frequency attached by ClinVar (database versions not stated): gnomAD exomes below 0.00001; gnomAD 0.00001; TOPMed 0.00002.

Submissions (2):

Labcorp Genetics (formerly Invitae), Labcorp
Classification: Uncertain significance for Familial cancer of breast. Last evaluated: 2025-09-16. Review status: criteria provided, single submitter. Criteria: Invitae Variant Classification Sherloc (09022015). Collection method: clinical testing. Allele origin: germline.
Comment: This sequence change replaces valine, which is neutral and non-polar, with isoleucine, which is neutral and non-polar, at codon 206 of the CHEK2 protein (p.Val206Ile). This variant is not present in population databases (gnomAD no frequency). This variant has not been reported in the literature in individuals affected with CHEK2-related conditions. ClinVar contains an entry for this variant (Variation ID: 232611). An algorithm developed to predict the effect of missense changes on protein structure and function (PolyPhen-2) suggests that this variant is likely to be disruptive. In summary, the available evidence is currently insufficient to determine the role of this variant in disease. Therefore, it has been classified as a Variant of Uncertain Significance.

Ambry Genetics
Classification: Uncertain significance for Hereditary cancer-predisposing syndrome. Last evaluated: 2024-03-19. Review status: criteria provided, single submitter. Criteria: Ambry Variant Classification Scheme 2023. Collection method: clinical testing. Allele origin: germline.
Comment: The p.V206I variant (also known as c.616G>A), located in coding exon 4 of the CHEK2 gene, results from a G to A substitution at nucleotide position 616. The valine at codon 206 is replaced by isoleucine, an amino acid with highly similar properties. This alteration was reported as functional in a study assessing CHEK2-complementation through quantification of KAP1 phosphorylation and CHK2 autophosphorylation in human RPE1-CHEK2-knockout cells (Stolarova L et al. Clin Cancer Res, 2023 Aug;29:3037-3050). This amino acid position is well conserved in available vertebrate species. In addition, this alteration is predicted to be tolerated by in silico analysis. Based on the available evidence, the clinical significance of this alteration remains unclear.

Literature cited by the submitters: PubMed 37449874 (cited by Ambry Genetics).